The following is an entry in ClinVar:

ClinVar aggregate classification (germline): Likely benign. Review status: reviewed by expert panel (3 of 4 stars). 5 submissions from 5 submitters: Likely benign (1). 4 of the submissions do not count toward it. Last evaluated 2017-06-29.

Conditions:
Hereditary cancer-predisposing syndrome. Also called: Hereditary neoplastic syndrome; Hereditary Cancer Syndrome; Neoplastic Syndromes, Hereditary; Tumor predisposition. Identifiers: Orphanet 140162, MedGen C0027672, MeSH D009386, MONDO:0015356.
Breast-ovarian cancer, familial, susceptibility to, 2 (BROVCA2). Also called: BRCA2 Hereditary Breast and Ovarian Cancer. Identifiers: Orphanet 145, MedGen C2675520, MONDO:0012933, OMIM 612555. Disease mechanism: loss of function.
Hereditary breast ovarian cancer syndrome. Also called: Hereditary breast and ovarian cancer syndrome; BRCA1- and BRCA2-Associated Hereditary Breast and Ovarian Cancer; Hereditary breast and/or ovarian cancer syndrome; Hereditary breast and ovarian cancer; Breast and ovarian cancer; Hereditary breast and ovarian cancer syndrome (HBOC). Identifiers: Orphanet 145, MedGen C0677776, MeSH D061325, MONDO:0003582. Disease mechanism: loss of function.

Allele frequency attached by ClinVar (database versions not stated): gnomAD exomes below 0.00001; ExAC 0.00001.
gnomAD v4.1: 1 of 1,614,168 alleles (0.000062%); highest among the groups gnomAD compares: Admixed American, 0.0017%; no homozygotes.

Submissions (5):

Evidence-based Network for the Interpretation of Germline Mutant Alleles (ENIGMA)
Classification: Likely benign for Breast-ovarian cancer, familial, susceptibility to, 2. Last evaluated: 2017-06-29. Review status: reviewed by expert panel. Criteria: ENIGMA BRCA1/2 Classification Criteria (2017-06-29). Collection method: curation. Allele origin: germline.
Comment: Synonymous substitution variant, with low bioinformatic likelihood to result in a splicing aberration (Splicing prior probability 0.02).

Quest Diagnostics Nichols Institute San Juan Capistrano
Classification: Likely benign. Last evaluated: 2023-05-08. Review status: criteria provided, single submitter. Criteria: Quest Diagnostics criteria. Collection method: clinical testing. Allele origin: unknown. Not counted in ClinVar's aggregate classification.

All of Us Research Program, National Institutes of Health
Classification: Likely benign for Breast-ovarian cancer, familial, susceptibility to, 2. Last evaluated: 2023-04-03. Review status: criteria provided, single submitter. Criteria: ACMG Guidelines, 2015. Collection method: clinical testing. Allele origin: germline. Inheritance: Autosomal dominant inheritance. Observed: 1 variant allele, 1 heterozygote. Not counted in ClinVar's aggregate classification.
Comment: This study involves interpretation of variants in research participants for the purpose of population health screening. Participant phenotype was not available at the time of variant classification. Additional details can be found in publication PMID: 35346344, PMCID: PMC8962531

Labcorp Genetics (formerly Invitae), Labcorp
Classification: Likely benign for Hereditary breast ovarian cancer syndrome. Last evaluated: 2022-09-23. Review status: criteria provided, single submitter. Criteria: Invitae Variant Classification Sherloc (09022015). Collection method: clinical testing. Allele origin: germline. Not counted in ClinVar's aggregate classification.

Ambry Genetics
Classification: Likely benign for Hereditary cancer-predisposing syndrome. Last evaluated: 2019-06-22. Review status: criteria provided, single submitter. Criteria: Ambry Variant Classification Scheme 2023. Collection method: clinical testing. Allele origin: germline. Not counted in ClinVar's aggregate classification.

NM_000059.4(BRCA2):c.9829C>T (p.Leu3277=)

Gene: BRCA2 (BRCA2 DNA repair associated; plus strand). Cytogenetic location: 13q13.1.
Variant type: single nucleotide variant.
Coding change: c.9829C>T on transcript NM_000059.4 (MANE Select); coding-DNA position 9829, C replaced by T.
Protein change: p.Leu3277=; no amino-acid change (leucine 3277 retained).
Molecular consequence: synonymous variant.
Genome position (GRCh38, 1-based): chr13:32,398,342, C>T. VCF-style: chr13-32398342-C-T. GRCh37 (hg19) VCF-style: chr13-32972479-C-T.
Identifiers: ClinVar variation 427453 (VCV000427453.12), dbSNP rs757664122, ClinGen allele CA6941447.
Genomic context (GRCh38, chr13:32,398,342, plus strand): 5'-AAAGAGATTGATGACCAAAAGAACTGCAAAAAGAGAAGAGCCTTGGATTTCTTGAGTAGA[C>T]TGCCTTTACCTCCACCTGTTAGTCCCATTTGTACATTTGTTTCTCCGGCTGCACAGAAGG-3'
Protein context (NP_000050.3, residues 3267-3287): KRRALDFLSR[Leu3277=]PLPPPVSPIC